The following is an entry in ClinVar:

ClinVar aggregate classification (germline): Pathogenic/Likely pathogenic. Review status: criteria provided, multiple submitters, no conflicts (2 of 4 stars). 2 submissions from 2 submitters: Pathogenic (1); Likely pathogenic (1). Last evaluated 2024-09-26.

Conditions:
Autosomal recessive polycystic kidney disease (ARPKD). Also called: AR polycystic kidney disease. Identifiers: Orphanet 731, Orphanet 8378, MedGen C0085548, MeSH D017044, MONDO:0009889.

Submissions (2):

Natera, Inc.
Classification: Likely pathogenic for Autosomal recessive polycystic kidney disease. Last evaluated: 2024-09-26. Review status: criteria provided, single submitter. Criteria: Natera Variant Classification Schema (03/2026). Collection method: clinical testing. Allele origin: germline.
Comment: The c.8870_8874del variant in PKHD1 is a frameshift variant predicted to shift the reading frame beginning at codon 2957 and leads to a stop codon 4 codons downstream. This variant is expected to result in nonsense mediated decay, truncation, or a dysfunctional protein product. This variant is rare in the general population with a frequency below the threshold expected for the associated phenotype(s). Given the available evidence, this variant is classified as Likely Pathogenic.

Labcorp Genetics (formerly Invitae), Labcorp
Classification: Pathogenic for Autosomal recessive polycystic kidney disease. Last evaluated: 2023-05-22. Review status: criteria provided, single submitter. Criteria: Invitae Variant Classification Sherloc (09022015). Collection method: clinical testing. Allele origin: germline.
Comment: For these reasons, this variant has been classified as Pathogenic. This variant has not been reported in the literature in individuals affected with PKHD1-related conditions. This sequence change creates a premature translational stop signal (p.Ile2957Asnfs*4) in the PKHD1 gene. It is expected to result in an absent or disrupted protein product. Loss-of-function variants in PKHD1 are known to be pathogenic (PMID: 19940839). This variant is not present in population databases (gnomAD no frequency).

Literature cited by the submitters: PubMed 19940839 (cited by Labcorp Genetics (formerly Invitae), Labcorp).

NM_138694.4(PKHD1):c.8870_8874del (p.Ile2957fs)

Gene: PKHD1 (PKHD1 ciliary IPT domain containing fibrocystin/polyductin; minus strand). Cytogenetic location: 6p12.3.
Variant type: Deletion.
Coding change: c.8870_8874del on transcript NM_138694.4 (MANE Select); coding-DNA positions 8870 to 8874, 5 bases deleted (TACAA; older notation c.8870_8874delTACAA).
Protein change: p.Ile2957fs; shifts the reading frame from isoleucine 2957.
Molecular consequence: frameshift variant.
Genome position (GRCh38, 1-based): chr6:51,753,277-51,753,281, TTGTA deleted on the plus strand (TACAA on the coding strand, the reverse complement: PKHD1 is on the minus strand); deleting any 5 consecutive bases within chr6:51,753,277-51,753,282 gives the same sequence; the c. name uses the placement nearest the transcript's 3' end. VCF-style (leftmost placement, unchanged base first): chr6-51753276-TTTGTA-T. GRCh37 (hg19) VCF-style: chr6-51618074-TTTGTA-T.
Other names: c.8870_8874del (NM_138694.3); c.8870_8874del, p.Ile2957fs (NM_170724.3); short protein forms I2957fs.
Identifiers: ClinVar variation 2866913 (VCV002866913.5), dbSNP rs2533915465, ClinGen allele CA2739273096.